The following is an entry in ClinVar:

NM_000059.4(BRCA2):c.644A>T (p.Glu215Val)

Gene: BRCA2 (BRCA2 DNA repair associated; plus strand). Cytogenetic location: 13q13.1.
Variant type: single nucleotide variant.
Coding change: c.644A>T on transcript NM_000059.4 (MANE Select); coding-DNA position 644, A replaced by T.
Protein change: p.Glu215Val; replaces glutamic acid 215 with valine.
Molecular consequence: missense variant.
Genome position (GRCh38, 1-based): chr13:32,329,455, A>T. VCF-style: chr13-32329455-A-T. GRCh37 (hg19) VCF-style: chr13-32903592-A-T.
Other names: short protein forms E215V.
Identifiers: ClinVar variation 1007322 (VCV001007322.9), dbSNP rs1198988757, ClinGen allele CA387759391.

ClinVar aggregate classification (germline): Uncertain significance (1 of 4 stars; one submission).

Conditions:
Hereditary breast ovarian cancer syndrome. Also called: BRCA1- and BRCA2-Associated Hereditary Breast and Ovarian Cancer; Hereditary breast and ovarian cancer; Hereditary breast and ovarian cancer syndrome; Breast and ovarian cancer; Hereditary breast and/or ovarian cancer syndrome; Hereditary breast and ovarian cancer syndrome (HBOC). Identifiers: Orphanet 145, MedGen C0677776, MeSH D061325, MONDO:0003582. Disease mechanism: loss of function.

Submission:

Labcorp Genetics (formerly Invitae), Labcorp
Classification: Uncertain significance for Hereditary breast ovarian cancer syndrome. Last evaluated: 2020-10-05. Review status: criteria provided, single submitter. Criteria: Invitae Variant Classification Sherloc (09022015). Collection method: clinical testing. Allele origin: germline.
Comment: In summary, the available evidence is currently insufficient to determine the role of this variant in disease. Therefore, it has been classified as a Variant of Uncertain Significance. Advanced modeling of protein sequence and biophysical properties (such as structural, functional, and spatial information, amino acid conservation, physicochemical variation, residue mobility, and thermodynamic stability) performed at Invitae indicates that this missense variant is not expected to disrupt BRCA2 protein function. This variant has not been reported in the literature in individuals with BRCA2-related conditions. This variant is not present in population databases (ExAC no frequency). This sequence change replaces glutamic acid with valine at codon 215 of the BRCA2 protein (p.Glu215Val). The glutamic acid residue is moderately conserved and there is a moderate physicochemical difference between glutamic acid and valine.